The following is an entry in ClinVar:

NM_019842.4(KCNQ5):c.251G>T (p.Gly84Val)

Genes: KCNQ5 (potassium voltage-gated channel subfamily Q member 5; plus strand), KCNQ5-DT (KCNQ5 divergent transcript; minus strand). Cytogenetic location: 6q13.
Variant type: single nucleotide variant.
Coding change: c.251G>T on transcript NM_019842.4 (MANE Select); coding-DNA position 251, G replaced by T.
Protein change: p.Gly84Val; replaces glycine 84 with valine.
Molecular consequence: missense variant.
Genome position (GRCh38, 1-based): chr6:72,622,440, G>T. VCF-style: chr6-72622440-G-T. GRCh37 (hg19) VCF-style: chr6-73332168-G-T.
Other names: c.251G>T, p.Gly84Val (NM_001160130.2, NM_001160132.2, NM_001160133.2 and 1 more transcripts); short protein forms G84V.
Identifiers: ClinVar variation 3369737 (VCV003369737.2).

ClinVar aggregate classification (germline): Uncertain significance. Review status: criteria provided, multiple submitters, no conflicts (2 of 4 stars). 2 submissions from 2 submitters: Uncertain significance (2). Last evaluated 2024-12-13.

Conditions:
KCNQ5-related disorder. Also called: KCNQ5-related condition.

gnomAD v4.1: 7 of 1,564,458 alleles (0.00045%); highest among the groups gnomAD compares: Non-Finnish European, 0.00052%; no homozygotes.

Submissions (2):

PreventionGenetics, part of Exact Sciences
Classification: Uncertain significance for KCNQ5-related condition. Last evaluated: 2024-12-13. Review status: criteria provided, single submitter. Criteria: ACMG Guidelines, 2015. Collection method: clinical testing. Allele origin: germline.
Comment: The KCNQ5 c.251G>T variant is predicted to result in the amino acid substitution p.Gly84Val. To our knowledge, this variant has not been reported in the literature or in a large population database (gnomAD), indicating this variant is rare. At this time, the clinical significance of this variant is uncertain due to the absence of conclusive functional and genetic evidence.

GeneDx
Classification: Uncertain significance. Last evaluated: 2024-02-23. Review status: criteria provided, single submitter. Criteria: GeneDx Variant Classification Process June 2021. Collection method: clinical testing. Allele origin: germline. Affected: yes.
Comment: Not observed at significant frequency in large population cohorts (gnomAD); In silico analysis supports that this missense variant has a deleterious effect on protein structure/function; Has not been previously published as pathogenic or benign to our knowledge